The following is an entry in ClinVar:

ClinVar aggregate classification (germline): Pathogenic (1 of 4 stars; one submission).

Conditions:
Hereditary diffuse gastric adenocarcinoma (HDGC). Also called: DIFFUSE GASTRIC AND LOBULAR BREAST CANCER SYNDROME. Identifiers: Orphanet 26106, MedGen C1708349, MONDO:0007648, OMIM 137215.

Submission:

Myriad Genetics, Inc.
Classification: Pathogenic for Hereditary diffuse gastric adenocarcinoma. Last evaluated: 2023-06-08. Review status: criteria provided, single submitter. Criteria: Myriad Autosomal Dominant, Autosomal Recessive and X-Linked Classification Criteria (2023). Collection method: clinical testing. Allele origin: unknown.
Comment: This variant is considered pathogenic. This variant creates a frameshift predicted to result in premature protein truncation.

NM_004360.5(CDH1):c.137del (p.Leu46fs)

Gene: CDH1 (cadherin 1; plus strand). Cytogenetic location: 16q22.1.
Variant type: Deletion.
Coding change: c.137del on transcript NM_004360.5 (MANE Select); coding-DNA position 137, one base deleted (T; older notation c.137delT).
Protein change: p.Leu46fs; shifts the reading frame from leucine 46.
Molecular consequence: frameshift variant. On other transcripts: 5 prime UTR variant (2).
Genome position (GRCh38, 1-based): chr16:68,738,385, T deleted. VCF-style (leftmost placement, unchanged base first): chr16-68738384-CT-C. GRCh37 (hg19) VCF-style: chr16-68772287-CT-C.
Other names: c.137del, p.Leu46fs (NM_001317184.2); c.-1479del (NM_001317185.2); c.-1683del (NM_001317186.2); short protein forms L46fs.
Identifiers: ClinVar variation 2583486 (VCV002583486.2), dbSNP rs2543817154, ClinGen allele CA2582342545.